The following is an entry in ClinVar:

ClinVar aggregate classification (germline): Uncertain significance (1 of 4 stars; one submission).

Conditions:
Hereditary breast ovarian cancer syndrome. Also called: BRCA1- and BRCA2-Associated Hereditary Breast and Ovarian Cancer; Hereditary breast and ovarian cancer; Hereditary breast and ovarian cancer syndrome (HBOC); Hereditary breast and ovarian cancer syndrome; Hereditary breast and/or ovarian cancer syndrome; Breast and ovarian cancer. Identifiers: Orphanet 145, MedGen C0677776, MeSH D061325, MONDO:0003582. Disease mechanism: loss of function.

Submission:

Labcorp Genetics (formerly Invitae), Labcorp
Classification: Uncertain significance for Hereditary breast ovarian cancer syndrome. Last evaluated: 2023-11-19. Review status: criteria provided, single submitter. Criteria: Invitae Variant Classification Sherloc (09022015). Collection method: clinical testing. Allele origin: germline.
Comment: This sequence change replaces glutamic acid, which is acidic and polar, with glutamine, which is neutral and polar, at codon 554 of the BRCA1 protein (p.Glu554Gln). This variant is not present in population databases (gnomAD no frequency). This variant has not been reported in the literature in individuals affected with BRCA1-related conditions. Advanced modeling of protein sequence and biophysical properties (such as structural, functional, and spatial information, amino acid conservation, physicochemical variation, residue mobility, and thermodynamic stability) performed at Invitae indicates that this missense variant is not expected to disrupt BRCA1 protein function with a negative predictive value of 95%. In summary, the available evidence is currently insufficient to determine the role of this variant in disease. Therefore, it has been classified as a Variant of Uncertain Significance.

NM_007294.4(BRCA1):c.1660G>C (p.Glu554Gln)

Gene: BRCA1 (BRCA1 DNA repair associated; minus strand). Cytogenetic location: 17q21.31.
Variant type: single nucleotide variant.
Coding change: c.1660G>C on transcript NM_007294.4 (MANE Select); coding-DNA position 1660, G replaced by C.
Protein change: p.Glu554Gln; replaces glutamic acid 554 with glutamine.
Molecular consequence: missense variant. On other transcripts: intron variant (137).
Genome position (GRCh38, 1-based): chr17:43,093,871, C>G on the plus strand (G>C on the coding strand, the complement: BRCA1 is on the minus strand). VCF-style: chr17-43093871-C-G. GRCh37 (hg19) VCF-style: chr17-41245888-C-G.
Other names: c.1447G>C, p.Glu483Gln (NM_001407571.1, NM_001407894.1, NM_001407895.1 and 9 more transcripts); c.1660G>C, p.Glu554Gln (NM_001407582.1, NM_001407581.1, NM_001407583.1 and 30 more transcripts); c.1456G>C, p.Glu486Gln (NM_001407875.1, NM_001407874.1); c.1450G>C, p.Glu484Gln (NM_001407879.1, NM_001407881.1, NM_001407882.1 and 13 more transcripts); c.1537G>C, p.Glu513Gln (NM_001407919.1, NM_001407937.1, NM_001407938.1 and 19 more transcripts); c.1396G>C, p.Glu466Gln (NM_001407920.1, NM_001407921.1, NM_001407922.1 and 9 more transcripts); c.1393G>C, p.Glu465Gln (NM_001407930.1, NM_001407931.1, NM_001407932.1 and 2 more transcripts); c.1534G>C, p.Glu512Gln (NM_001407940.1, NM_001407941.1, NM_001407649.1 and 11 more transcripts); and 40 more; short protein forms E427Q, E443Q, E487Q, E386Q, E466Q, E551Q, E258Q, E426Q.
Identifiers: ClinVar variation 2697233 (VCV002697233.3), dbSNP rs397508894, ClinGen allele CA10598715.
Genomic context (GRCh38, chr17:43,093,871, plus strand): 5'-GTGATTCTATTGGGTTAGGATTTTTCTCATTCTGAATAGAATCACCTTTTGTTTTATTCT[C>G]ATGACCACTATTAGTAATATTCATCACTTGACCATTCTGCTCCGTTTGGTTAGTTCCCTG-3'
Protein context (NP_009225.1, residues 544-564): QVMNITNSGH[Glu554Gln]NKTKGDSIQN